The following is an entry in ClinVar:

ClinVar aggregate classification (germline): Pathogenic. Review status: criteria provided, multiple submitters, no conflicts (2 of 4 stars). 2 submissions from 2 submitters: Pathogenic (2). Last evaluated 2019-08-25.

Submissions (2):

Labcorp Genetics (formerly Invitae), Labcorp
Classification: Pathogenic. Last evaluated: 2019-08-25. Review status: criteria provided, single submitter. Criteria: Invitae Variant Classification Sherloc (09022015). Collection method: clinical testing. Allele origin: germline.
Comment: For these reasons, this variant has been classified as Pathogenic. Loss-of-function variants in PHEX are known to be pathogenic (PMID: 9097956, 9106524, 19219621). This variant has been observed in an individual affected with hypophosphatemic rickets (PMID: 21902834). ClinVar contains an entry for this variant (Variation ID: 430170). This variant is not present in population databases (ExAC no frequency). This sequence change creates a premature translational stop signal (p.Ser228Phefs*10) in the PHEX gene. It is expected to result in an absent or disrupted protein product.

GeneDx
Classification: Pathogenic. Last evaluated: 2017-05-22. Review status: criteria provided, single submitter. Criteria: GeneDx Variant Classification (06012015). Collection method: clinical testing. Allele origin: germline. Affected: yes.
Comment: The c.682dupT variant in the PHEX gene has been reported previously in association with X-linked hypophosphatemic rickets (Morey et al., 2011). The duplication causes a frameshift starting with codon Serine 228, changes this amino acid to a Phenylalanine residue and creates a premature Stop codon at position 10 of the new reading frame, denoted p.Ser228PhefsX10. This variant is predicted to cause loss of normal protein function either through protein truncation or nonsense-mediated mRNA decay. The variant is not observed in large population cohorts (Lek et al., 2016; 1000 Genomes Consortium et al., 2015; Exome Variant Server). In summary, we consider this variant to be pathogenic.

Literature cited by the submitters: PubMed 9097956 (cited by Labcorp Genetics (formerly Invitae), Labcorp); PubMed 9106524 (cited by Labcorp Genetics (formerly Invitae), Labcorp); PubMed 19219621 (cited by Labcorp Genetics (formerly Invitae), Labcorp); PubMed 21902834 (cited by Labcorp Genetics (formerly Invitae), Labcorp).

NM_000444.6(PHEX):c.682dup (p.Ser228fs)

Gene: PHEX (phosphate regulating endopeptidase X-linked; plus strand). Cytogenetic location: Xp22.11.
Variant type: Duplication.
Coding change: c.682dup on transcript NM_000444.6 (MANE Select); coding-DNA position 682, one base duplicated (T; older notation c.682dupT).
Protein change: p.Ser228fs; shifts the reading frame from serine 228.
Molecular consequence: frameshift variant.
Genome position (GRCh38, 1-based): chrX:22,090,447, T duplicated. VCF-style (leftmost placement, unchanged base first): chrX-22090446-C-CT. GRCh37 (hg19) VCF-style: chrX-22108564-C-CT.
Other names: c.682dup, p.Ser228fs (NM_001282754.2); short protein forms S228fs.
Identifiers: ClinVar variation 430170 (VCV000430170.11), dbSNP rs1131691812, ClinGen allele CA645369750.